The following is an entry in ClinVar:

ClinVar aggregate classification (germline): Likely benign. Review status: criteria provided, multiple submitters, no conflicts (2 of 4 stars). 4 submissions from 4 submitters: Likely benign (3). 1 of the submissions does not count toward it. Last evaluated 2025-11-23.

Conditions:
CBL-related disorder. Also called: CBL MUTATION-ASSOCIATED SYNDROME; CBL SYNDROME; NOONAN SYNDROME-LIKE DISORDER WITHOUT JUVENILE MYELOMONOCYTIC LEUKEMIA. Identifiers: Orphanet 363972, MedGen C3150803, MONDO:0013308, OMIM 613563.
RASopathy. Also called: rasopathies; Noonan spectrum disorder. Identifiers: Orphanet 536391, MedGen C5555857, MONDO:0021060.
Cardiovascular phenotype. Identifiers: MedGen CN230736.

Allele frequency attached by ClinVar (database versions not stated): gnomAD 0.00001; gnomAD exomes 0.00001; TOPMed 0.00001; ExAC 0.00002.
gnomAD v4.1: 13 of 1,613,888 alleles (0.00081%); highest among the groups gnomAD compares: Non-Finnish European, 0.001%; no homozygotes.

Submissions (4):

Labcorp Genetics (formerly Invitae), Labcorp
Classification: Likely benign for RASopathy. Last evaluated: 2025-11-23. Review status: criteria provided, single submitter. Criteria: Invitae Variant Classification Sherloc (09022015). Collection method: clinical testing. Allele origin: germline.

Blueprint Genetics
Classification: Likely benign. Last evaluated: 2022-08-02. Review status: criteria provided, single submitter. Criteria: ACMG Guidelines, 2015. Collection method: clinical testing. Allele origin: germline.

Ambry Genetics
Classification: Likely benign for Cardiovascular phenotype. Last evaluated: 2020-03-16. Review status: criteria provided, single submitter. Criteria: Ambry Variant Classification Scheme 2023. Collection method: clinical testing. Allele origin: germline.

PreventionGenetics, part of Exact Sciences
Classification: Likely benign for CBL-related condition. Last evaluated: 2021-03-30. Review status: no assertion criteria provided. Collection method: clinical testing. Allele origin: germline. Not counted in ClinVar's aggregate classification.
Comment: This variant is classified as likely benign based on ACMG/AMP sequence variant interpretation guidelines (Richards et al. 2015 PMID: 25741868, with internal and published modifications).

NM_005188.4(CBL):c.1221C>T (p.Ser407=)

Gene: CBL (Cbl proto-oncogene; plus strand). Cytogenetic location: 11q23.3.
Variant type: single nucleotide variant.
Coding change: c.1221C>T on transcript NM_005188.4 (MANE Select); coding-DNA position 1221, C replaced by T.
Protein change: p.Ser407=; no amino-acid change (serine 407 retained).
Molecular consequence: synonymous variant.
Genome position (GRCh38, 1-based): chr11:119,278,291, C>T. VCF-style: chr11-119278291-C-T. GRCh37 (hg19) VCF-style: chr11-119149001-C-T.
Other names: c.1221C>T (NM_005188.3).
Identifiers: ClinVar variation 1616881 (VCV001616881.13), dbSNP rs751978701, ClinGen allele CA6318455.